The following is an entry in ClinVar:

ClinVar aggregate classification (germline): Uncertain significance (1 of 4 stars; one submission).

Conditions:
Familial thoracic aortic aneurysm and aortic dissection (TAAD). Also called: Thoracic aortic aneurysms and dissections. Identifiers: Orphanet 91387, MedGen C4707243, MONDO:0019625.

Submission:

Labcorp Genetics (formerly Invitae), Labcorp
Classification: Uncertain significance for Familial thoracic aortic aneurysm and aortic dissection. Last evaluated: 2017-05-27. Review status: criteria provided, single submitter. Criteria: Invitae Variant Classification Sherloc (09022015). Collection method: clinical testing. Allele origin: germline.
Comment: In summary, this variant has uncertain impact on TGFBR2 function. The available evidence is currently insufficient to determine its role in disease. Therefore, it has been classified as a Variant of Uncertain Significance. Algorithms developed to predict the effect of sequence changes on RNA splicing suggest that this variant may create or strengthen a splice site, but this prediction has not been confirmed by published transcriptional studies. This variant has not been reported in the literature in individuals with a TGFBR2-related disease. This variant is not present in population databases (ExAC no frequency). This sequence change falls in intron 6 of the TGFBR2 gene. It does not directly change the encoded amino acid sequence of the TGFBR2 protein.

NM_003242.6(TGFBR2):c.1524+7A>G

Gene: TGFBR2 (transforming growth factor beta receptor 2; plus strand). Cytogenetic location: 3p24.1.
Variant type: single nucleotide variant.
Coding change: c.1524+7A>G on transcript NM_003242.6 (MANE Select); 7 bases into the intron after coding-DNA position 1524, A replaced by G.
Molecular consequence: intron variant.
Genome position (GRCh38, 1-based): chr3:30,688,518, A>G. VCF-style: chr3-30688518-A-G. GRCh37 (hg19) VCF-style: chr3-30730010-A-G.
Other names: c.1527+7A>G (NM_001407129.1); c.1419+7A>G (NM_001407132.1, NM_001407136.1, NM_001407133.1 and 2 more transcripts); c.1707+7A>G (NM_001407126.1); c.1599+7A>G (NM_001024847.3); c.654+7A>G (NM_001407139.1); c.1239+7A>G (NM_001407137.1); c.1632+7A>G (NM_001407127.1); c.1521+7A>G (NM_001407130.1); and 2 more.
Identifiers: ClinVar variation 477542 (VCV000477542.6), dbSNP rs1553631728, ClinGen allele CA658657281.